The following is an entry in ClinVar:

NM_004715.5(CTDP1):c.1034A>T (p.Asn345Ile)

Gene: CTDP1 (CTD phosphatase subunit 1; plus strand). Cytogenetic location: 18q23.
Variant type: single nucleotide variant.
Coding change: c.1034A>T on transcript NM_004715.5 (MANE Select); coding-DNA position 1034, A replaced by T.
Protein change: p.Asn345Ile; replaces asparagine 345 with isoleucine.
Molecular consequence: missense variant.
Genome position (GRCh38, 1-based): chr18:79,714,494, A>T. VCF-style: chr18-79714494-A-T. GRCh37 (hg19) VCF-style: chr18-77474494-A-T.
Other names: p.Asn345Ile; c.677A>T, p.Asn226Ile (NM_001202504.1); c.1034A>T, p.Asn345Ile (NM_001318511.2, NM_048368.4); short protein forms N226I, N345I.
Identifiers: ClinVar variation 2683464 (VCV002683464.3), dbSNP rs2512082945, ClinGen allele CA402830364.

ClinVar aggregate classification (germline): Uncertain significance. Review status: criteria provided, multiple submitters, no conflicts (2 of 4 stars). 2 submissions from 2 submitters: Uncertain significance (2). Last evaluated 2025-05-27.

gnomAD v4.1: 3 of 1,613,074 alleles (0.00019%); highest among the groups gnomAD compares: Non-Finnish European, 0.00025%; no homozygotes.

Submissions (2):

Mayo Clinic Laboratories, Mayo Clinic
Classification: Uncertain significance. Last evaluated: 2025-05-27. Review status: criteria provided, single submitter. Criteria: ACMG Guidelines, 2015. Collection method: clinical testing. Allele origin: germline. Observed: 2 variant alleles.
Comment: BP4, PM2_moderate

Ambry Genetics
Classification: Uncertain significance. Last evaluated: 2024-01-04. Review status: criteria provided, single submitter. Criteria: Ambry Variant Classification Scheme 2023. Collection method: clinical testing. Allele origin: germline.